The following is an entry in ClinVar:

NM_000414.4(HSD17B4):c.152G>C (p.Gly51Ala)

Gene: HSD17B4 (hydroxysteroid 17-beta dehydrogenase 4; plus strand). Cytogenetic location: 5q23.1.
Variant type: single nucleotide variant.
Coding change: c.152G>C on transcript NM_000414.4 (MANE Select); coding-DNA position 152, G replaced by C.
Protein change: p.Gly51Ala; replaces glycine 51 with alanine.
Molecular consequence: missense variant. On other transcripts: 5 prime UTR variant (6), non-coding transcript variant (2).
Genome position (GRCh38, 1-based): chr5:119,473,947, G>C. VCF-style: chr5-119473947-G-C. GRCh37 (hg19) VCF-style: chr5-118809642-G-C.
Other names: c.227G>C, p.Gly76Ala (NM_001199291.3); c.98G>C, p.Gly33Ala (NM_001199292.2); c.80G>C, p.Gly27Ala (NM_001292027.2); c.-260G>C (NM_001292028.2, NM_001374501.1); c.152G>C, p.Gly51Ala (NM_001374497.1, NM_001374498.1); c.-129G>C (NM_001374499.1); c.-387G>C (NM_001374500.1); c.-265G>C (NM_001374502.1, NM_001374503.1); short protein forms G27A, G33A, G51A, G76A.
Identifiers: ClinVar variation 4975620 (VCV004975620.1).

ClinVar aggregate classification (germline): Uncertain significance (1 of 4 stars; one submission).

gnomAD v4.1: 5 of 1,611,946 alleles (0.00031%); highest among the groups gnomAD compares: African/African-American, 0.004%; no homozygotes.

Submission:

GeneDx
Classification: Uncertain significance. Last evaluated: 2026-01-30. Review status: criteria provided, single submitter. Criteria: GeneDx Variant Classification Process June 2021. Collection method: clinical testing. Allele origin: germline.
Comment: Not observed at significant frequency in large population cohorts (gnomAD); In silico analysis suggests that this missense variant does not alter protein structure/function; Has not been previously published as pathogenic or benign to our knowledge